The following is an entry in ClinVar:

ClinVar aggregate classification (germline): Uncertain significance (1 of 4 stars; one submission).

Submission:

Labcorp Genetics (formerly Invitae), Labcorp
Classification: Uncertain significance. Last evaluated: 2023-10-13. Review status: criteria provided, single submitter. Criteria: Invitae Variant Classification Sherloc (09022015). Collection method: clinical testing. Allele origin: germline.
Comment: This sequence change replaces arginine, which is basic and polar, with proline, which is neutral and non-polar, at codon 1305 of the RERE protein (p.Arg1305Pro). This variant is not present in population databases (gnomAD no frequency). This variant has not been reported in the literature in individuals affected with RERE-related conditions. ClinVar contains an entry for this variant (Variation ID: 1355092). Advanced modeling of protein sequence and biophysical properties (such as structural, functional, and spatial information, amino acid conservation, physicochemical variation, residue mobility, and thermodynamic stability) has been performed at Invitae for this missense variant, however the output from this modeling did not meet the statistical confidence thresholds required to predict the impact of this variant on RERE protein function. In summary, the available evidence is currently insufficient to determine the role of this variant in disease. Therefore, it has been classified as a Variant of Uncertain Significance.

NM_001042681.2(RERE):c.3914G>C (p.Arg1305Pro)

Gene: RERE (arginine-glutamic acid dipeptide repeats; minus strand). Cytogenetic location: 1p36.23.
Variant type: single nucleotide variant.
Coding change: c.3914G>C on transcript NM_001042681.2 (MANE Select); coding-DNA position 3914, G replaced by C.
Protein change: p.Arg1305Pro; replaces arginine 1305 with proline.
Molecular consequence: missense variant.
Genome position (GRCh38, 1-based): chr1:8,358,621, C>G on the plus strand (G>C on the coding strand, the complement: RERE is on the minus strand). VCF-style: chr1-8358621-C-G. GRCh37 (hg19) VCF-style: chr1-8418681-C-G.
Other names: c.2252G>C, p.Arg751Pro (NM_001042682.2); c.3914G>C, p.Arg1305Pro (NM_012102.4); short protein forms R1305P, R751P.
Identifiers: ClinVar variation 1355092 (VCV001355092.8), dbSNP rs1168321610, ClinGen allele CA338169586.